The following is an entry in ClinVar:

NM_001142800.2(EYS):c.1269del (p.Glu423fs)

Gene: EYS (EGF-like photoreceptor maintenance factor; minus strand). Cytogenetic location: 6q12.
Variant type: Deletion.
Coding change: c.1269del on transcript NM_001142800.2 (MANE Select); coding-DNA position 1269, one base deleted (A; older notation c.1269delA).
Protein change: p.Glu423fs; shifts the reading frame from glutamic acid 423.
Molecular consequence: frameshift variant.
Genome position (GRCh38, 1-based): chr6:65,384,416, T deleted on the plus strand (A on the coding strand, the reverse complement: EYS is on the minus strand); the first of 2 consecutive T bases (chr6:65,384,416-65,384,417); deleting either gives the same sequence. VCF-style (leftmost placement, unchanged base first): chr6-65384415-AT-A. GRCh37 (hg19) VCF-style: chr6-66094308-AT-A.
Other names: c.1269del, p.Glu423fs (NM_001142801.2, NM_001292009.2, NM_198283.2); short protein forms E423fs.
Identifiers: ClinVar variation 5014955 (VCV005014955.1).

ClinVar aggregate classification (germline): Pathogenic (1 of 4 stars; one submission).

Conditions:
Retinitis pigmentosa 25 (RP25). Identifiers: Orphanet 791, MedGen C1864446, MONDO:0011272, OMIM 602772.

Submission:

Myriad Genetics, Inc.
Classification: Pathogenic for Retinitis pigmentosa 25. Last evaluated: 2025-09-09. Review status: criteria provided, single submitter. Criteria: Myriad Autosomal Dominant, Autosomal Recessive and X-Linked Classification Criteria (2023). Collection method: clinical testing. Allele origin: unknown.
Comment: NM_001142800.1(EYS):c.1269delA(E423Dfs*6) is expected to be pathogenic in the context of retinitis pigmentosa, EYS-related. This variant is predicted to lead to an abnormal or absent protein product due to the creation of a premature termination codon in EYS, a gene where loss-of-function variants are known to be pathogenic. Please note: this variant was assessed in the context of healthy population screening.